The following is an entry in ClinVar:

NM_006939.4(SOS2):c.448T>C (p.Phe150Leu)

Gene: SOS2 (SOS Ras/Rho guanine nucleotide exchange factor 2; minus strand). Cytogenetic location: 14q21.3.
Variant type: single nucleotide variant.
Coding change: c.448T>C on transcript NM_006939.4 (MANE Select); coding-DNA position 448, T replaced by C.
Protein change: p.Phe150Leu; replaces phenylalanine 150 with leucine.
Molecular consequence: missense variant.
Genome position (GRCh38, 1-based): chr14:50,199,753, A>G on the plus strand (T>C on the coding strand, the complement: SOS2 is on the minus strand). VCF-style: chr14-50199753-A-G. GRCh37 (hg19) VCF-style: chr14-50666471-A-G.
Other names: c.448T>C, p.Phe150Leu (NM_001411020.1); short protein forms F150L.
Identifiers: ClinVar variation 3360387 (VCV003360387.2).

ClinVar aggregate classification (germline): Uncertain significance. Review status: criteria provided, multiple submitters, no conflicts (2 of 4 stars). 2 submissions from 2 submitters: Uncertain significance (2). Last evaluated 2025-04-13.

Conditions:
Cardiovascular phenotype. Identifiers: MedGen CN230736.

Submissions (2):

Ambry Genetics
Classification: Uncertain significance for Cardiovascular phenotype. Last evaluated: 2025-04-13. Review status: criteria provided, single submitter. Criteria: Ambry Variant Classification Scheme 2023. Collection method: clinical testing. Allele origin: germline.
Comment: The p.F150L variant (also known as c.448T>C), located in coding exon 4 of the SOS2 gene, results from a T to C substitution at nucleotide position 448. The phenylalanine at codon 150 is replaced by leucine, an amino acid with highly similar properties. This amino acid position is conserved. In addition, the in silico prediction for this alteration is inconclusive. Based on the available evidence, the clinical significance of this variant remains unclear.

GeneDx
Classification: Uncertain significance. Last evaluated: 2023-06-25. Review status: criteria provided, single submitter. Criteria: GeneDx Variant Classification Process June 2021. Collection method: clinical testing. Allele origin: germline. Affected: yes.
Comment: Not observed at significant frequency in large population cohorts (gnomAD); In silico analysis supports that this missense variant does not alter protein structure/function; Has not been previously published as pathogenic or benign to our knowledge